The following is an entry in ClinVar:

GRCh38/hg38 5q14.3(chr5:89052330-89487275)x1

Genes: MEF2C-AS1 (MEF2C antisense RNA 1; plus strand), LOC110120688 (VISTA enhancer hs503; plus strand), LOC110120771 (VISTA enhancer hs789; plus strand), LOC123497932 (Sharpr-MPRA regulatory region 5119; plus strand), LOC129994187 (ATAC-STARR-seq lymphoblastoid silent region 16165; plus strand) and 6 more. Cytogenetic location: 5q14.3.
Variant type: copy number loss.
Change: copy number 1 (one copy instead of two) of chr5:89,052,330-89,487,275 (434.9 kb, GRCh38 coordinates, 1-based), cytogenetic band 5q14.3.
Identifiers: ClinVar variation 57298 (VCV000057298.1).

ClinVar aggregate classification (germline): Pathogenic (1 of 4 stars; one submission).

Submission:

ISCA site 4
Classification: Pathogenic. Last evaluated: 2011-08-12. Review status: criteria provided, single submitter. Criteria: Kaminsky et al. (Genet Med. 2011). Collection method: clinical testing. Allele origin: de novo. Affected: yes. Observed: 1 variant allele.
Comment: Copy number variation identified through the course of routine clinical cytogenomic testing in postnatal populations. Clinical assertions have been curated as described in Kaminsky et al. 2011.